The following is an entry in ClinVar:

ClinVar aggregate classification (germline): Uncertain significance (0 of 4 stars; one submission).

Conditions:
HNRNPA1-related disorder. Also called: HNRNPA1-related condition.

Submission:

PreventionGenetics, part of Exact Sciences
Classification: Uncertain significance for HNRNPA1-related condition. Last evaluated: 2024-05-09. Review status: no assertion criteria provided. Collection method: clinical testing. Allele origin: germline.
Comment: The HNRNPA1 c.954C>G variant is predicted to result in premature protein termination (p.Tyr318*). To our knowledge, this variant has not been reported in the literature or in a large population database, indicating this variant is rare. At this time, the clinical significance of this variant is uncertain due to the absence of conclusive functional and genetic evidence.

NM_031157.4(HNRNPA1):c.954C>G (p.Tyr318Ter)

Gene: HNRNPA1 (heterogeneous nuclear ribonucleoprotein A1; plus strand). Cytogenetic location: 12q13.13.
Variant type: single nucleotide variant.
Coding change: c.954C>G on transcript NM_031157.4 (MANE Select); coding-DNA position 954, C replaced by G.
Protein change: p.Tyr318Ter; replaces tyrosine 318 with a stop codon.
Molecular consequence: nonsense. On other transcripts: non-coding transcript variant (1).
Genome position (GRCh38, 1-based): chr12:54,283,858, C>G. VCF-style: chr12-54283858-C-G. GRCh37 (hg19) VCF-style: chr12-54677642-C-G.
Other names: c.798C>G, p.Tyr266Ter (NM_002136.4); short protein forms Y266*, Y318*.
Identifiers: ClinVar variation 3346151 (VCV003346151.1).